The following is an entry in ClinVar:

ClinVar aggregate classification (germline): Uncertain significance. Review status: criteria provided, multiple submitters, no conflicts (2 of 4 stars). 3 submissions from 3 submitters: Uncertain significance (3). Last evaluated 2025-09-12.

Conditions:
Hereditary cancer-predisposing syndrome. Also called: Tumor predisposition; Hereditary neoplastic syndrome; Neoplastic Syndromes, Hereditary; Hereditary Cancer Syndrome. Identifiers: Orphanet 140162, MedGen C0027672, MeSH D009386, MONDO:0015356.
DICER1-related tumor predisposition. Also called: DICER1-related pleuropulmonary blastoma cancer predisposition syndrome; DICER1 syndrome. Identifiers: Orphanet 284343, MedGen C3839822, MONDO:0100216.

Submissions (3):

Labcorp Genetics (formerly Invitae), Labcorp
Classification: Uncertain significance for DICER1-related tumor predisposition. Last evaluated: 2025-09-12. Review status: criteria provided, single submitter. Criteria: Invitae Variant Classification Sherloc (09022015). Collection method: clinical testing. Allele origin: germline.
Comment: This sequence change replaces aspartic acid, which is acidic and polar, with asparagine, which is neutral and polar, at codon 1795 of the DICER1 protein (p.Asp1795Asn). This variant is not present in population databases (gnomAD no frequency). This variant has not been reported in the literature in individuals affected with DICER1-related conditions. ClinVar contains an entry for this variant (Variation ID: 933043). Invitae Evidence Modeling of protein sequence and biophysical properties (such as structural, functional, and spatial information, amino acid conservation, physicochemical variation, residue mobility, and thermodynamic stability) indicates that this missense variant is not expected to disrupt DICER1 protein function with a negative predictive value of 95%. In summary, the available evidence is currently insufficient to determine the role of this variant in disease. Therefore, it has been classified as a Variant of Uncertain Significance.

Ambry Genetics
Classification: Uncertain significance for Hereditary cancer-predisposing syndrome. Last evaluated: 2025-06-19. Review status: criteria provided, single submitter. Criteria: Ambry Variant Classification Scheme 2023. Collection method: clinical testing. Allele origin: germline.
Comment: The p.D1795N variant (also known as c.5383G>A), located in coding exon 24 of the DICER1 gene, results from a G to A substitution at nucleotide position 5383. The aspartic acid at codon 1795 is replaced by asparagine, an amino acid with highly similar properties. This amino acid position is highly conserved in available vertebrate species. In addition, this alteration is predicted to be tolerated by in silico analysis. Based on the available evidence, the clinical significance of this variant remains unclear.

Foulkes Cancer Genetics LDI, Lady Davis Institute for Medical Research
Classification: Uncertain significance. Last evaluated: 2019-07-01. Review status: criteria provided, single submitter. Criteria: ACMG Guidelines, 2015. Collection method: curation. Allele origin: unknown. Affected: yes. Observed: 1 variant allele.
Comment: ACMG criteria met: PM1, PM2, BP1

Literature cited by the submitters: PubMed 30072170 (cited by Foulkes Cancer Genetics LDI, Lady Davis Institute for Medical Research).

NM_177438.3(DICER1):c.5383G>A (p.Asp1795Asn)

Gene: DICER1 (dicer 1, ribonuclease III; minus strand). Cytogenetic location: 14q32.13.
Variant type: single nucleotide variant.
Coding change: c.5383G>A on transcript NM_177438.3 (MANE Select); coding-DNA position 5383, G replaced by A.
Protein change: p.Asp1795Asn; replaces aspartic acid 1795 with asparagine.
Molecular consequence: missense variant. On other transcripts: intron variant (1).
Genome position (GRCh38, 1-based): chr14:95,091,347, C>T on the plus strand (G>A on the coding strand, the complement: DICER1 is on the minus strand). VCF-style: chr14-95091347-C-T. GRCh37 (hg19) VCF-style: chr14-95557684-C-T.
Other names: c.5383G>A, p.Asp1795Asn (NM_001271282.3, NM_001291628.2, NM_030621.4); c.5365-238G>A (NM_001195573.1); short protein forms D1795N.
Identifiers: ClinVar variation 933043 (VCV000933043.4), dbSNP rs1889817752, ClinGen allele CA390864787.
Genomic context (GRCh38, chr14:95,091,347, plus strand): 5'-GCGACTCAAAAATATCCCCCATGGCCTTTGGAACTTCAATATCCTCTTCTTTCTCTTCAT[C>T]CTCCTCAGATCTCCTAAGCTATTACAGAGGGAAAAGTGACTTGTAAGCAAAAAGGCCACT-3'
Protein context (NP_803187.1, residues 1785-1805): MDSELRRSEE[Asp1795Asn]EEKEEDIEVP